The following is an entry in ClinVar:

NM_004104.5(FASN):c.659A>G (p.Asn220Ser)

Gene: FASN (fatty acid synthase; minus strand). Cytogenetic location: 17q25.3.
Variant type: single nucleotide variant.
Coding change: c.659A>G on transcript NM_004104.5 (MANE Select); coding-DNA position 659, A replaced by G.
Protein change: p.Asn220Ser; replaces asparagine 220 with serine.
Molecular consequence: missense variant.
Genome position (GRCh38, 1-based): chr17:82,093,016, T>C on the plus strand (A>G on the coding strand, the complement: FASN is on the minus strand). VCF-style: chr17-82093016-T-C. GRCh37 (hg19) VCF-style: chr17-80050892-T-C.
Other names: c.659A>G (NM_004104.4); short protein forms N220S.
Identifiers: ClinVar variation 1433381 (VCV001433381.9), dbSNP rs1011886751, ClinGen allele CA295139327.

ClinVar aggregate classification (germline): Uncertain significance. Review status: criteria provided, multiple submitters, no conflicts (2 of 4 stars). 2 submissions from 2 submitters: Uncertain significance (2). Last evaluated 2022-06-04.

Conditions:
Epileptic encephalopathy. Identifiers: MedGen C0543888, HP:0200134.

Allele frequency attached by ClinVar (database versions not stated): gnomAD exomes below 0.00001; gnomAD 0.00001; TOPMed 0.00002.
gnomAD v4.1: 5 of 1,611,784 alleles (0.00031%); highest among the groups gnomAD compares: African/African-American, 0.0067%; no homozygotes.

Submissions (2):

Labcorp Genetics (formerly Invitae), Labcorp
Classification: Uncertain significance for Epileptic encephalopathy. Last evaluated: 2022-06-04. Review status: criteria provided, single submitter. Criteria: Invitae Variant Classification Sherloc (09022015). Collection method: clinical testing. Allele origin: germline.
Comment: This variant has not been reported in the literature in individuals affected with FASN-related conditions. This variant is present in population databases (no rsID available, gnomAD 0.007%). This sequence change replaces asparagine, which is neutral and polar, with serine, which is neutral and polar, at codon 220 of the FASN protein (p.Asn220Ser). ClinVar contains an entry for this variant (Variation ID: 1433381). In summary, the available evidence is currently insufficient to determine the role of this variant in disease. Therefore, it has been classified as a Variant of Uncertain Significance. Algorithms developed to predict the effect of sequence changes on RNA splicing suggest that this variant may create or strengthen a splice site. Algorithms developed to predict the effect of missense changes on protein structure and function output the following: SIFT: "Tolerated"; PolyPhen-2: "Benign"; Align-GVGD: "Class C0". The serine amino acid residue is found in multiple mammalian species, which suggests that this missense change does not adversely affect protein function.

Ambry Genetics
Classification: Uncertain significance. Last evaluated: 2021-10-20. Review status: criteria provided, single submitter. Criteria: Ambry Variant Classification Scheme 2023. Collection method: clinical testing. Allele origin: germline.